The following is an entry in ClinVar:

NM_017617.5(NOTCH1):c.1093C>T (p.Arg365Cys)

Gene: NOTCH1 (notch receptor 1; minus strand). Cytogenetic location: 9q34.3.
Variant type: single nucleotide variant.
Coding change: c.1093C>T on transcript NM_017617.5 (MANE Select); coding-DNA position 1093, C replaced by T.
Protein change: p.Arg365Cys; replaces arginine 365 with cysteine.
Molecular consequence: missense variant.
Genome position (GRCh38, 1-based): chr9:136,518,597, G>A on the plus strand (C>T on the coding strand, the complement: NOTCH1 is on the minus strand). VCF-style: chr9-136518597-G-A. GRCh37 (hg19) VCF-style: chr9-139413049-G-A.
Other names: c.1093C>T, p.Arg365Cys (LRG_1122t1); short protein forms R365C.
Identifiers: ClinVar variation 421340 (VCV000421340.6), dbSNP rs1064795070, ClinGen allele CA16618805.

ClinVar aggregate classification (germline): Conflicting classifications of pathogenicity. Review status: criteria provided, conflicting classifications (1 of 4 stars). 2 submissions from 2 submitters: Likely pathogenic (1); Uncertain significance (1). Last evaluated 2022-03-05.

Conditions:
Adams-Oliver syndrome 5 (AOS5). Identifiers: Orphanet 974, MedGen C4014970, MONDO:0014459, OMIM 616028.

Submissions (2):

Labcorp Genetics (formerly Invitae), Labcorp
Classification: Uncertain significance for Adams-Oliver syndrome 5. Last evaluated: 2022-03-05. Review status: criteria provided, single submitter. Criteria: Invitae Variant Classification Sherloc (09022015). Collection method: clinical testing. Allele origin: germline.
Comment: This variant is not present in population databases (gnomAD no frequency). In summary, the available evidence is currently insufficient to determine the role of this variant in disease. Therefore, it has been classified as a Variant of Uncertain Significance. Advanced modeling of protein sequence and biophysical properties (such as structural, functional, and spatial information, amino acid conservation, physicochemical variation, residue mobility, and thermodynamic stability) performed at Invitae indicates that this missense variant is not expected to disrupt NOTCH1 protein function. ClinVar contains an entry for this variant (Variation ID: 421340). This variant has not been reported in the literature in individuals affected with NOTCH1-related conditions. This sequence change replaces arginine, which is basic and polar, with cysteine, which is neutral and slightly polar, at codon 365 of the NOTCH1 protein (p.Arg365Cys).

GeneDx
Classification: Likely pathogenic. Last evaluated: 2016-05-26. Review status: criteria provided, single submitter. Criteria: GeneDx Variant Classification (06012015). Collection method: clinical testing. Allele origin: germline. Affected: yes.
Comment: The R365C variant in the NOTCH1 gene has not been reported previously as a germline pathogenic variant, nor as a benign variant, to our knowledge. The R365C variant was not observed in approximately 6500 individuals of European and African American ancestry in the NHLBI Exome Sequencing Project, indicating it is not a common benign variant in these populations. The R365C variant is a non-conservative amino acid substitution, which is likely to impact secondary protein structure as these residues differ in polarity, charge, size and/or other properties. In addition, this substitution occurs at a position that is conserved across species. However, in silico analysis is inconsistent in its predictions as to whether or not the variant is damaging to the protein structure/function. The R365C variant is a strong candidate for a pathogenic variant, however the possibility it may be a rare benign variant cannot be excluded.